The following is an entry in ClinVar:

ClinVar aggregate classification (germline): Uncertain significance (1 of 4 stars; one submission).

Submission:

Labcorp Genetics (formerly Invitae), Labcorp
Classification: Uncertain significance. Last evaluated: 2023-09-21. Review status: criteria provided, single submitter. Criteria: Invitae Variant Classification Sherloc (09022015). Collection method: clinical testing. Allele origin: germline.
Comment: This sequence change replaces alanine, which is neutral and non-polar, with serine, which is neutral and polar, at codon 1286 of the FLNB protein (p.Ala1286Ser). In summary, the available evidence is currently insufficient to determine the role of this variant in disease. Therefore, it has been classified as a Variant of Uncertain Significance. Advanced modeling of protein sequence and biophysical properties (such as structural, functional, and spatial information, amino acid conservation, physicochemical variation, residue mobility, and thermodynamic stability) performed at Invitae indicates that this missense variant is not expected to disrupt FLNB protein function. This variant has not been reported in the literature in individuals affected with FLNB-related conditions. This variant is not present in population databases (gnomAD no frequency).

NM_001457.4(FLNB):c.3856G>T (p.Ala1286Ser)

Gene: FLNB (filamin B; plus strand). Cytogenetic location: 3p14.3.
Variant type: single nucleotide variant.
Coding change: c.3856G>T on transcript NM_001457.4 (MANE Select); coding-DNA position 3856, G replaced by T.
Protein change: p.Ala1286Ser; replaces alanine 1286 with serine.
Molecular consequence: missense variant.
Genome position (GRCh38, 1-based): chr3:58,124,463, G>T. VCF-style: chr3-58124463-G-T. GRCh37 (hg19) VCF-style: chr3-58110190-G-T.
Other names: c.3856G>T, p.Ala1286Ser (NM_001164317.2, NM_001164318.2, NM_001164319.2); short protein forms A1286S.
Identifiers: ClinVar variation 2759813 (VCV002759813.3), dbSNP rs745854879, ClinGen allele CA353349661.
Genomic context (GRCh38, chr3:58,124,463, plus strand): 5'-ATCAAGGCCCACATTGCCAACCCCTCAGGGGCCTCCACCGAGTGCTTTGTCACAGACAAT[G>T]CGGATGGGACCTACCAGGTGGAATACACACCCTTTGAGAAAGGTGAGCCGCCCTGTCCTC-3'
Protein context (NP_001448.2, residues 1276-1296): ASTECFVTDN[Ala1286Ser]DGTYQVEYTP